The following is an entry in ClinVar:

NM_004370.6(COL12A1):c.5116G>A (p.Glu1706Lys)

Gene: COL12A1 (collagen type XII alpha 1 chain; minus strand). Cytogenetic location: 6q13.
Variant type: single nucleotide variant.
Coding change: c.5116G>A on transcript NM_004370.6 (MANE Select); coding-DNA position 5116, G replaced by A.
Protein change: p.Glu1706Lys; replaces glutamic acid 1706 with lysine.
Molecular consequence: missense variant.
Genome position (GRCh38, 1-based): chr6:75,138,562, C>T on the plus strand (G>A on the coding strand, the complement: COL12A1 is on the minus strand). VCF-style: chr6-75138562-C-T. GRCh37 (hg19) VCF-style: chr6-75848278-C-T.
Other names: c.1624G>A, p.Glu542Lys (NM_080645.3); short protein forms E1706K, E542K.
Identifiers: ClinVar variation 656479 (VCV000656479.10), dbSNP rs767343975, ClinGen allele CA3893247.

ClinVar aggregate classification (germline): Conflicting classifications of pathogenicity. Review status: criteria provided, conflicting classifications (1 of 4 stars). 2 submissions from 2 submitters: Uncertain significance (1); Likely benign (1). Last evaluated 2023-09-04.

Conditions:
Bethlem myopathy 2 (BTHLM2). Identifiers: Orphanet 536516, Orphanet 610, MedGen C4225313, MONDO:0034022, OMIM 616471.
Ullrich congenital muscular dystrophy 2 (UCMD2). Identifiers: Orphanet 75840, MedGen C4225314, MONDO:0014654, OMIM 616470.

Allele frequency attached by ClinVar (database versions not stated): TOPMed 0.00001; ExAC 0.00002; gnomAD exomes 0.00002.
gnomAD v4.1: 4 of 1,613,786 alleles (0.00025%); highest among the groups gnomAD compares: Admixed American, 0.0067%; no homozygotes.

Submissions (2):

Labcorp Genetics (formerly Invitae), Labcorp
Classification: Likely benign for Bethlem myopathy 2; Ullrich congenital muscular dystrophy 2. Last evaluated: 2023-09-04. Review status: criteria provided, single submitter. Criteria: Invitae Variant Classification Sherloc (09022015). Collection method: clinical testing. Allele origin: germline.

Baylor Genetics
Classification: Uncertain significance for Bethlem myopathy 2. Last evaluated: 2018-10-24. Review status: criteria provided, single submitter. Criteria: ACMG Guidelines, 2015. Collection method: clinical testing. Allele origin: paternal. Affected: yes.
Comment: This variant was determined to be of uncertain significance according to ACMG Guidelines, 2015 [PMID:25741868].